The following is an entry in ClinVar:

ClinVar aggregate classification (germline): Uncertain significance (1 of 4 stars; one submission).

Allele frequency attached by ClinVar (database versions not stated): gnomAD exomes below 0.00001.
gnomAD v4.1: 1 of 1,593,972 alleles (0.000063%); highest among the groups gnomAD compares: Non-Finnish European, 0.000086%; no homozygotes.

Submission:

Labcorp Genetics (formerly Invitae), Labcorp
Classification: Uncertain significance. Last evaluated: 2024-11-11. Review status: criteria provided, single submitter. Criteria: Invitae Variant Classification Sherloc (09022015). Collection method: clinical testing. Allele origin: germline.
Comment: This sequence change replaces glycine, which is neutral and non-polar, with cysteine, which is neutral and slightly polar, at codon 222 of the CEACAM16 protein (p.Gly222Cys). This variant is not present in population databases (gnomAD no frequency). This variant has not been reported in the literature in individuals affected with CEACAM16-related conditions. ClinVar contains an entry for this variant (Variation ID: 1473588). An algorithm developed to predict the effect of missense changes on protein structure and function (PolyPhen-2) suggests that this variant is likely to be disruptive. In summary, the available evidence is currently insufficient to determine the role of this variant in disease. Therefore, it has been classified as a Variant of Uncertain Significance.

NM_001039213.4(CEACAM16):c.664G>T (p.Gly222Cys)

Genes: CEACAM16 (CEA cell adhesion molecule 16, tectorial membrane component; plus strand), CEACAM16-AS1 (CEACAM16, CEACAM19 and PVR antisense RNA 1; minus strand). Cytogenetic location: 19q13.32.
Variant type: single nucleotide variant.
Coding change: c.664G>T on transcript NM_001039213.4 (MANE Select); coding-DNA position 664, G replaced by T.
Protein change: p.Gly222Cys; replaces glycine 222 with cysteine.
Molecular consequence: missense variant.
Genome position (GRCh38, 1-based): chr19:44,705,592, G>T. VCF-style: chr19-44705592-G-T. GRCh37 (hg19) VCF-style: chr19-45208862-G-T.
Other names: short protein forms G222C.
Identifiers: ClinVar variation 1473588 (VCV001473588.6), dbSNP rs1974430373, ClinGen allele CA406290078.